The following is an entry in ClinVar:

NM_002439.5(MSH3):c.3233T>G (p.Val1078Gly)

Gene: MSH3 (mutS homolog 3; plus strand). Cytogenetic location: 5q14.1.
Variant type: single nucleotide variant.
Coding change: c.3233T>G on transcript NM_002439.5 (MANE Select); coding-DNA position 3233, T replaced by G.
Protein change: p.Val1078Gly; replaces valine 1078 with glycine.
Molecular consequence: missense variant.
Genome position (GRCh38, 1-based): chr5:80,873,218, T>G. VCF-style: chr5-80873218-T-G. GRCh37 (hg19) VCF-style: chr5-80169037-T-G.
Other names: short protein forms V1078G.
Identifiers: ClinVar variation 3296293 (VCV003296293.1).

ClinVar aggregate classification (germline): Uncertain significance (1 of 4 stars; one submission).

Conditions:
Hereditary cancer-predisposing syndrome. Also called: Tumor predisposition; Hereditary Cancer Syndrome; Hereditary neoplastic syndrome; Neoplastic Syndromes, Hereditary. Identifiers: Orphanet 140162, MedGen C0027672, MeSH D009386, MONDO:0015356.

Submission:

Ambry Genetics
Classification: Uncertain significance for Hereditary cancer-predisposing syndrome. Last evaluated: 2024-05-16. Review status: criteria provided, single submitter. Criteria: Ambry Variant Classification Scheme 2023. Collection method: clinical testing. Allele origin: germline.
Comment: The p.V1078G variant (also known as c.3233T>G), located in coding exon 23 of the MSH3 gene, results from a T to G substitution at nucleotide position 3233. The valine at codon 1078 is replaced by glycine, an amino acid with dissimilar properties. This amino acid position is conserved. In addition, this alteration is predicted to be deleterious by in silico analysis. Based on the available evidence, the clinical significance of this variant remains unclear.